The following is an entry in ClinVar:

NM_024596.5(MCPH1):c.2462C>T (p.Thr821Ile)

Genes: MCPH1-AS1 (MCPH1 antisense RNA 1; minus strand), MCPH1 (microcephalin 1; plus strand). Cytogenetic location: 8p23.1.
Variant type: single nucleotide variant.
Coding change: c.2462C>T on transcript NM_024596.5 (MANE Select); coding-DNA position 2462, C replaced by T.
Protein change: p.Thr821Ile; replaces threonine 821 with isoleucine.
Molecular consequence: missense variant. On other transcripts: synonymous variant (1).
Genome position (GRCh38, 1-based): chr8:6,643,003, C>T. VCF-style: chr8-6643003-C-T. GRCh37 (hg19) VCF-style: chr8-6500524-C-T.
Other names: c.2604C>T, p.His868= (NM_001322042.2); c.2183C>T, p.Thr728Ile (NM_001363980.2); short protein forms T728I, T821I.
Identifiers: ClinVar variation 910186 (VCV000910186.4), dbSNP rs1586908818, ClinGen allele CA370219297.

ClinVar aggregate classification (germline): Uncertain significance (1 of 4 stars; one submission).

Conditions:
Microcephaly 1, primary, autosomal recessive (MCPH1). Also called: PREMATURE CHROMOSOME CONDENSATION SYNDROME; PCC SYNDROME; PREMATURE CHROMOSOME CONDENSATION WITH MICROCEPHALY AND MENTAL RETARDATION. Identifiers: Orphanet 2512, MedGen C1855081, MONDO:0009617, OMIM 251200.

gnomAD v4.1: 2 of 1,614,074 alleles (0.00012%); highest among the groups gnomAD compares: Non-Finnish European, 0.00017%; no homozygotes.

Submission:

Illumina Laboratory Services, Illumina
Classification: Uncertain significance for Microcephaly 1, primary, autosomal recessive. Last evaluated: 2017-04-28. Review status: criteria provided, single submitter. Criteria: ICSL Variant Classification Criteria 13 December 2019. Collection method: clinical testing. Allele origin: germline.
Comment: This variant was observed as part of a predisposition screen in an ostensibly healthy population. A literature search was performed for the gene, cDNA change, and amino acid change (where applicable). Publications were found based on this search. However, the evidence from the literature, in combination with allele frequency data from public databases where available, was not sufficient to rule this variant in or out of causing disease. Therefore, this variant is classified as a variant of unknown significance.

Literature cited by the submitters: PubMed 20978018; PubMed 22154951.